The following is an entry in ClinVar:

NC_000019.10:g.35248949G>A

Gene: LSR (lipolysis stimulated lipoprotein receptor; plus strand). Cytogenetic location: 19q13.12.
Variant type: single nucleotide variant.
Genome position: GRCh38 VCF-style: chr19-35248949-G-A. GRCh37 (hg19) VCF-style: chr19-35739852-G-A.
Identifiers: ClinVar variation 3669462 (VCV003669462.2).
Genomic context (GRCh38, chr19:35,248,949, plus strand): 5'-ACGGACTTGGAGTAGGGACAAGGAACGGAAGTGGGAAGGGGAGGAGCGTGCACCCCTCCT[G>A]GCCTTGGTGCGCGCCGCGCCCCCTAAGGTACTTTGGAAGGGACGCGCGGGCCAGACGCGC-3'

ClinVar aggregate classification (germline): Uncertain significance (1 of 4 stars; one submission).

Submission:

Labcorp Genetics (formerly Invitae), Labcorp
Classification: Uncertain significance. Last evaluated: 2025-12-30. Review status: criteria provided, single submitter. Criteria: Invitae Variant Classification Sherloc (09022015). Collection method: clinical testing. Allele origin: germline.
Comment: This sequence change creates a premature translational stop signal (p.Trp24*) in the LSR gene. It is expected to result in an absent or disrupted protein product. However, the current clinical and genetic evidence is not sufficient to establish whether loss-of-function variants in LSR cause disease. This variant is present in population databases (rs146546592, gnomAD 0.1%), and has an allele count higher than expected for a pathogenic variant. This variant has not been reported in the literature in individuals affected with LSR-related conditions. ClinVar contains an entry for this variant (Variation ID: 3669462). In summary, the available evidence is currently insufficient to determine the role of this variant in disease. Therefore, it has been classified as a Variant of Uncertain Significance.